The following is an entry in ClinVar:

NM_000203.5(IDUA):c.973-4G>A

Gene: IDUA (alpha-L-iduronidase; plus strand). Cytogenetic location: 4p16.3.
Variant type: single nucleotide variant.
Coding change: c.973-4G>A on transcript NM_000203.5 (MANE Select); 4 bases into the intron before coding-DNA position 973, G replaced by A.
Molecular consequence: intron variant.
Genome position (GRCh38, 1-based): chr4:1,002,265, G>A. VCF-style: chr4-1002265-G-A. GRCh37 (hg19) VCF-style: chr4-996053-G-A.
Other names: c.577-4G>A (NM_001363576.1).
Identifiers: ClinVar variation 558027 (VCV000558027.3), dbSNP rs745832717, ClinGen allele CA2802154.

ClinVar aggregate classification (germline): Uncertain significance. Review status: reviewed by expert panel (3 of 4 stars). 3 submissions from 3 submitters: Uncertain significance (1). 2 of the submissions do not count toward it. Last evaluated 2025-12-15.

Conditions:
Mucopolysaccharidosis type 1. Also called: Mucopolysaccharidosis Type I; IDUA deficiency; MPS I. Identifiers: Orphanet 579, MedGen C0023786, MONDO:0001586.
Hurler syndrome. Also called: Gargoylism, Hurler Syndrome; MUCOPOLYSACCHARIDOSIS TYPE IH; Severe MPS I (Hurler Syndrome). Identifiers: Orphanet 93473, MedGen C0086795, MONDO:0011758, OMIM 607014.

Allele frequency attached by ClinVar (database versions not stated): ExAC 0.00001; gnomAD exomes 0.00001 and below 0.00001.
gnomAD v4.1: 3 of 1,609,082 alleles (0.00019%); highest among the groups gnomAD compares: Non-Finnish European, 0.00025%; no homozygotes.

Submissions (3):

ClinGen Lysosomal Storage Disorder Variant Curation Expert Panel
Classification: Uncertain significance for Mucopolysaccharidosis type 1. Last evaluated: 2025-12-15. Review status: reviewed by expert panel. Criteria: ClinGen LSD ACMG Specifications IDUA V1.1.0. Collection method: curation. Allele origin: germline. Inheritance: Autosomal recessive inheritance.
Comment: The NM_000203.5:c.973-4G>A variant in IDUA occurs within the splice acceptor region of intron 7. This variant has been reported a patient with documented IDUA deficiency within the affected range in leukocytes and clinical features specific to MPS I including hepatosplenomegaly and arthropathy (PMID: 21480867) (PP4). The computational splicing predictor SpliceAI gives a score of 0.15 which is neither above nor below the thresholds predicting damaging (>0.2) or no significant (<0.10) impact on splicing (neither PP3 nor BP4 is met). To our knowledge, RNA studies have not been reported. The highest population minor allele frequency in gnomAD v4.1.0 is 0.000003 (3/1178200 alleles) in the Non-Finnish European population, which is lower than the ClinGen Lysosomal Diseases VCEP’s threshold for PM2_Supporting (<0.00025), meeting this criterion (PM2_Supporting). In summary, this variant meets the criteria to be classified as a variant of uncertain significance (VUS) for MPS I based on the IDUA-specific ACMG/AMP criteria applied, as specified by the ClinGen Lysosomal Diseases Variant Curation Expert Panel (Specifications Version 1.1.0): PP4, PM2_supporting. (Classification approved by the ClinGen Lysosomal Diseases Variant Curation Expert Panel on December 15, 2025)

Women's Health and Genetics/Laboratory Corporation of America, LabCorp
Classification: Uncertain significance. Last evaluated: 2025-05-07. Review status: criteria provided, single submitter. Criteria: LabCorp Variant Classification Summary - May 2015. Collection method: clinical testing. Allele origin: germline. Not counted in ClinVar's aggregate classification.
Comment: Variant summary: IDUA c.973-4G>A alters a conserved nucleotide located at a position not widely known to affect splicing. Consensus agreement among computation tools predict no significant impact on normal splicing. However, these predictions have yet to be confirmed by functional studies. The variant allele was found at a frequency of 8.4e-06 in 238266 control chromosomes. The available data on variant occurrences in the general population are insufficient to allow any conclusion about variant significance. c.973-4G>A has been observed in an individual affected with Hurler syndrome (Wang_2012). These data do not allow any conclusion about variant significance. To our knowledge, no experimental evidence demonstrating an impact on protein function has been reported. The following publication has been ascertained in the context of this evaluation (PMID: 21480867). ClinVar contains an entry for this variant (Variation ID: 558027). Based on the evidence outlined above, the variant was classified as uncertain significance.

Counsyl
Classification: Uncertain significance for Hurler syndrome. Last evaluated: 2018-04-24. Review status: no assertion criteria provided. Collection method: clinical testing. Allele origin: unknown. Not counted in ClinVar's aggregate classification.

Literature cited by the submitters: PubMed 21480867 (cited by Women's Health and Genetics/Laboratory Corporation of America, LabCorp and Counsyl).